The following is an entry in ClinVar:

NM_002055.5(GFAP):c.1250A>G (p.Asp417Gly)

Gene: GFAP (glial fibrillary acidic protein; minus strand). Cytogenetic location: 17q21.31.
Variant type: single nucleotide variant.
Coding change: c.1250A>G on transcript NM_002055.5 (MANE Select); coding-DNA position 1250, A replaced by G.
Protein change: p.Asp417Gly; replaces aspartic acid 417 with glycine.
Molecular consequence: missense variant.
Genome position (GRCh38, 1-based): chr17:44,908,071, T>C on the plus strand (A>G on the coding strand, the complement: GFAP is on the minus strand). VCF-style: chr17-44908071-T-C. GRCh37 (hg19) VCF-style: chr17-42985439-T-C.
Other names: c.1370A>G, p.Asp457Gly (NM_001363846.2); short protein forms D417G, D457G.
Identifiers: ClinVar variation 4688063 (VCV004688063.1).

ClinVar aggregate classification (germline): Likely benign (1 of 4 stars; one submission).

Conditions:
Alexander disease (ALXDRD). Also called: Alexander's disease. Identifiers: Orphanet 58, MedGen C0270726, MONDO:0008752, OMIM 203450.

Submission:

Centre for Medical Genetics,  Mumbai
Classification: Likely benign for Alexander disease. Last evaluated: 2026-01-30. Review status: criteria provided, single submitter. Criteria: ACMG Guidelines, 2015. Collection method: provider interpretation. Allele origin: germline. Inheritance: Autosomal dominant inheritance. Affected: no. Observed: 1 heterozygote.
Comment: The variant satisfies PM2 criteria; Extremely low frequency in gnomAD population databases. The variant satisfies PP2 criteria; Missense variant in a gene with low rate of benign missense mutations and for which missense mutation is a common mechanism of a disease The variant satisfies PP3 criteria; For a missense or a splicing region variant, computational prediction tools unanimously support a deleterious effect on the gene. However, the variant satisfies the BS2 criteria.

Literature cited by the submitters: PubMed 12447932.